The following is an entry in ClinVar:

NM_001303256.3(MORC2):c.1459C>T (p.Arg487Cys)

Gene: MORC2 (MORC family CW-type zinc finger 2; minus strand). Cytogenetic location: 22q12.2.
Variant type: single nucleotide variant.
Coding change: c.1459C>T on transcript NM_001303256.3 (MANE Select); coding-DNA position 1459, C replaced by T.
Protein change: p.Arg487Cys; replaces arginine 487 with cysteine.
Molecular consequence: missense variant.
Genome position (GRCh38, 1-based): chr22:30,937,622, G>A on the plus strand (C>T on the coding strand, the complement: MORC2 is on the minus strand). VCF-style: chr22-30937622-G-A. GRCh37 (hg19) VCF-style: chr22-31333609-G-A.
Other names: c.1459C>T, p.Arg487Cys (NM_001303257.2); c.1273C>T, p.Arg425Cys (NM_014941.3); short protein forms R425C, R487C.
Identifiers: ClinVar variation 1899481 (VCV001899481.5), dbSNP rs780264849, ClinGen allele CA10186970.

ClinVar aggregate classification (germline): Uncertain significance (1 of 4 stars; one submission).

Conditions:
Charcot-Marie-Tooth disease axonal type 2Z. Also called: CHARCOT-MARIE-TOOTH DISEASE, AXONAL, AUTOSOMAL DOMINANT, TYPE 2Z; CHARCOT-MARIE-TOOTH NEUROPATHY, TYPE 2Z. Identifiers: Orphanet 466768, MedGen C5569025, MONDO:0014736, OMIM 616688.

Allele frequency attached by ClinVar (database versions not stated): gnomAD exomes below 0.00001; TOPMed below 0.00001; ExAC 0.00001; gnomAD 0.00001.
gnomAD v4.1: 6 of 1,613,516 alleles (0.00037%); highest among the groups gnomAD compares: Middle Eastern, 0.035%; no homozygotes.

Submission:

Labcorp Genetics (formerly Invitae), Labcorp
Classification: Uncertain significance for Charcot-Marie-Tooth disease axonal type 2Z. Last evaluated: 2024-01-24. Review status: criteria provided, single submitter. Criteria: Invitae Variant Classification Sherloc (09022015). Collection method: clinical testing. Allele origin: germline.
Comment: This sequence change replaces arginine, which is basic and polar, with cysteine, which is neutral and slightly polar, at codon 487 of the MORC2 protein (p.Arg487Cys). This variant is present in population databases (rs780264849, gnomAD 0.007%). This variant has not been reported in the literature in individuals affected with MORC2-related conditions. ClinVar contains an entry for this variant (Variation ID: 1899481). Advanced modeling of protein sequence and biophysical properties (such as structural, functional, and spatial information, amino acid conservation, physicochemical variation, residue mobility, and thermodynamic stability) performed at Invitae indicates that this missense variant is expected to disrupt MORC2 protein function with a positive predictive value of 80%. In summary, the available evidence is currently insufficient to determine the role of this variant in disease. Therefore, it has been classified as a Variant of Uncertain Significance.